The following is an entry in ClinVar:

ClinVar aggregate classification (germline): Uncertain significance (1 of 4 stars; one submission).

Conditions:
Hereditary nonpolyposis colorectal neoplasms. Identifiers: MedGen C0009405, MeSH D003123.

Submission:

Labcorp Genetics (formerly Invitae), Labcorp
Classification: Uncertain significance for Hereditary nonpolyposis colorectal neoplasms. Last evaluated: 2025-09-15. Review status: criteria provided, single submitter. Criteria: Invitae Variant Classification Sherloc (09022015). Collection method: clinical testing. Allele origin: germline.
Comment: This sequence change replaces methionine, which is neutral and non-polar, with arginine, which is basic and polar, at codon 1184 of the MSH6 protein (p.Met1184Arg). This variant is not present in population databases (gnomAD no frequency). This variant has not been reported in the literature in individuals affected with MSH6-related conditions. Invitae Evidence Modeling of protein sequence and biophysical properties (such as structural, functional, and spatial information, amino acid conservation, physicochemical variation, residue mobility, and thermodynamic stability) indicates that this missense variant is not expected to disrupt MSH6 protein function with a negative predictive value of 95%. In summary, the available evidence is currently insufficient to determine the role of this variant in disease. Therefore, it has been classified as a Variant of Uncertain Significance.

NM_000179.3(MSH6):c.3551T>G (p.Met1184Arg)

Gene: MSH6 (mutS homolog 6; plus strand). Cytogenetic location: 2p16.3.
Variant type: single nucleotide variant.
Coding change: c.3551T>G on transcript NM_000179.3 (MANE Select); coding-DNA position 3551, T replaced by G.
Protein change: p.Met1184Arg; replaces methionine 1184 with arginine.
Molecular consequence: missense variant. On other transcripts: non-coding transcript variant (4).
Genome position (GRCh38, 1-based): chr2:47,805,022, T>G. VCF-style: chr2-47805022-T-G. GRCh37 (hg19) VCF-style: chr2-48032161-T-G.
Other names: c.3161T>G, p.Met1054Arg (NM_001281492.2); c.2645T>G, p.Met882Arg (NM_001281493.2, NM_001281494.2, NM_001406811.1 and 6 more transcripts); c.3647T>G, p.Met1216Arg (NM_001406795.1, NM_001406802.1); c.3551T>G, p.Met1184Arg (NM_001406796.1, NM_001406800.1, NM_001406808.1 and 1 more transcripts); c.3254T>G, p.Met1085Arg (NM_001406797.1, NM_001406801.1, NM_001406805.1 and 10 more transcripts); c.3377T>G, p.Met1126Arg (NM_001406798.1); c.3026T>G, p.Met1009Arg (NM_001406799.1, NM_001406806.1, NM_001406807.1); c.2687T>G, p.Met896Arg (NM_001406803.1); and 7 more; short protein forms M1009R, M1054R, M1085R, M111R, M1126R, M1128R, M1158R, M1184R.
Identifiers: ClinVar variation 4800229 (VCV004800229.1).